The following is an entry in ClinVar:

NM_002528.7(NTHL1):c.449G>C (p.Gly150Ala)

Gene: NTHL1 (nth like DNA glycosylase 1; minus strand). Cytogenetic location: 16p13.3.
Variant type: single nucleotide variant.
Coding change: c.449G>C on transcript NM_002528.7 (MANE Select); coding-DNA position 449, G replaced by C.
Protein change: p.Gly150Ala; replaces glycine 150 with alanine.
Molecular consequence: missense variant. On other transcripts: intron variant (1).
Genome position (GRCh38, 1-based): chr16:2,044,706, C>G on the plus strand (G>C on the coding strand, the complement: NTHL1 is on the minus strand). VCF-style: chr16-2044706-C-G. GRCh37 (hg19) VCF-style: chr16-2094707-C-G.
Other names: c.119G>C, p.Gly40Ala (NM_001318194.2); c.355-980G>C (NM_001318193.2); short protein forms G150A, G40A.
Identifiers: ClinVar variation 1742764 (VCV001742764.6), dbSNP rs1451809479, ClinGen allele CA394294299.

ClinVar aggregate classification (germline): Uncertain significance. Review status: criteria provided, multiple submitters, no conflicts (2 of 4 stars). 2 submissions from 2 submitters: Uncertain significance (2). Last evaluated 2024-09-06.

Conditions:
Hereditary cancer-predisposing syndrome. Also called: Hereditary Cancer Syndrome; Hereditary neoplastic syndrome; Neoplastic Syndromes, Hereditary; Tumor predisposition. Identifiers: Orphanet 140162, MedGen C0027672, MeSH D009386, MONDO:0015356.

Submissions (2):

Ambry Genetics
Classification: Uncertain significance for Hereditary cancer-predisposing syndrome. Last evaluated: 2024-09-06. Review status: criteria provided, single submitter. Criteria: Ambry Variant Classification Scheme 2023. Collection method: clinical testing. Allele origin: germline.
Comment: The p.G158A variant (also known as c.473G>C), located in coding exon 3 of the NTHL1 gene, results from a G to C substitution at nucleotide position 473. The glycine at codon 158 is replaced by alanine, an amino acid with similar properties. This amino acid position is conserved. In addition, the in silico prediction for this alteration is inconclusive. Since supporting evidence is limited at this time, the clinical significance of this alteration remains unclear.

Labcorp Genetics (formerly Invitae), Labcorp
Classification: Uncertain significance. Last evaluated: 2024-01-04. Review status: criteria provided, single submitter. Criteria: Invitae Variant Classification Sherloc (09022015). Collection method: clinical testing. Allele origin: germline.
Comment: This sequence change replaces glycine, which is neutral and non-polar, with alanine, which is neutral and non-polar, at codon 158 of the NTHL1 protein (p.Gly158Ala). This variant is not present in population databases (gnomAD no frequency). This variant has not been reported in the literature in individuals affected with NTHL1-related conditions. ClinVar contains an entry for this variant (Variation ID: 1742764). An algorithm developed to predict the effect of missense changes on protein structure and function (PolyPhen-2) suggests that this variant is likely to be disruptive. In summary, the available evidence is currently insufficient to determine the role of this variant in disease. Therefore, it has been classified as a Variant of Uncertain Significance.